The following is an entry in ClinVar:

NM_198253.3(TERT):c.3320T>A (p.Leu1107His)

Gene: TERT (telomerase reverse transcriptase; minus strand). Cytogenetic location: 5p15.33.
Variant type: single nucleotide variant.
Coding change: c.3320T>A on transcript NM_198253.3 (MANE Select); coding-DNA position 3320, T replaced by A.
Protein change: p.Leu1107His; replaces leucine 1107 with histidine.
Molecular consequence: missense variant. On other transcripts: non-coding transcript variant (2).
Genome position (GRCh38, 1-based): chr5:1,253,807, A>T on the plus strand (T>A on the coding strand, the complement: TERT is on the minus strand). VCF-style: chr5-1253807-A-T. GRCh37 (hg19) VCF-style: chr5-1253922-A-T.
Other names: c.3131T>A, p.Leu1044His (NM_001193376.3); c.3320T>A, p.Leu1107His (NM_003219.1); short protein forms L1044H, L1107H.
Identifiers: ClinVar variation 3238611 (VCV003238611.2), dbSNP rs2478066968.

ClinVar aggregate classification (germline): Uncertain significance. Review status: criteria provided, multiple submitters, no conflicts (2 of 4 stars). 2 submissions from 2 submitters: Uncertain significance (2). Last evaluated 2024-03-10.

Conditions:
Dyskeratosis congenita. Identifiers: Orphanet 1775, MedGen C0265965, MONDO:0015780.

Submissions (2):

GeneDx
Classification: Uncertain significance. Last evaluated: 2024-03-10. Review status: criteria provided, single submitter. Criteria: GeneDx Variant Classification Process June 2021. Collection method: clinical testing. Allele origin: germline. Affected: yes.
Comment: Not observed at significant frequency in large population cohorts (gnomAD); In silico analysis supports that this missense variant has a deleterious effect on protein structure/function; Has not been previously published as pathogenic or benign to our knowledge

Ambry Genetics
Classification: Uncertain significance for Dyskeratosis congenita. Last evaluated: 2022-12-04. Review status: criteria provided, single submitter. Criteria: Ambry Variant Classification Scheme 2023. Collection method: clinical testing. Allele origin: germline.
Comment: The p.L1107H variant (also known as c.3320T>A), located in coding exon 16 of the TERT gene, results from a T to A substitution at nucleotide position 3320. The leucine at codon 1107 is replaced by histidine, an amino acid with similar properties. This amino acid position is conserved. In addition, the in silico prediction for this alteration is inconclusive. Since supporting evidence is limited at this time, the clinical significance of this alteration remains unclear.